The following is an entry in ClinVar:

NC_000016.10:g.(?_89737551)_(89740867_89742799)del

Genes: ZNF276 (zinc finger protein 276; plus strand), FANCA (FA complementation group A; minus strand). Cytogenetic location: 16q24.3.
Variant type: Deletion.
Identifiers: ClinVar variation 974266 (VCV000974266.1).

ClinVar aggregate classification (germline): Pathogenic (0 of 4 stars; one submission).

Conditions:
Fanconi anemia complementation group A (FANCA). Also called: Fanconi anemia, group A; FANCA-Related Fanconi Anemia. Identifiers: Orphanet 84, MedGen C3469521, MONDO:0009215, OMIM 227650.

Submission:

Leiden Open Variation Database
Classification: Pathogenic for Fanconi anemia complementation group A. Last evaluated: 2020-02-28. Review status: no assertion criteria provided. Collection method: curation. Allele origin: germline. Affected: yes.
Comment: Curator: Arleen D. Auerbach. Submitter to LOVD: Arleen D. Auerbach.

Literature cited by the submitters: PubMed 25168418.